The following is an entry in ClinVar:

ClinVar aggregate classification (germline): Conflicting classifications of pathogenicity. Review status: criteria provided, conflicting classifications (1 of 4 stars). 2 submissions from 1 submitter: Uncertain significance (1); Benign (1). Last evaluated 2018-01-12.

Conditions:
Emery-Dreifuss muscular dystrophy 4, autosomal dominant (EDMD4). Also called: EMERY-DREIFUSS MUSCULAR DYSTROPHY 4 WITH VARIABLE FEATURES. Identifiers: Orphanet 261, MedGen C2751807, MONDO:0013071, OMIM 612998.
Autosomal recessive ataxia, Beauce type. Also called: SYNE1 Deficiency; SYNE1-Related Autosomal Recessive Cerebellar Ataxia; Spinocerebellar ataxia, autosomal recessive 8; ATAXIA, RECESSIVE, OF BEAUCE. Identifiers: Orphanet 88644, MedGen C1853116, MONDO:0012549, OMIM 610743.

Allele frequency attached by ClinVar (database versions not stated): gnomAD exomes 0.00001; TOPMed 0.00005; gnomAD 0.00010 and 0.00011; 1000 Genomes Project 0.00040; 1000 Genomes Project 30x 0.00047.
gnomAD v4.1: 18 of 552,276 alleles (0.0033%); highest among the groups gnomAD compares: African/African-American, 0.034%; no homozygotes.

Submissions (2):

Illumina Laboratory Services, Illumina
Classification: Uncertain significance for Autosomal recessive ataxia, Beauce type. Last evaluated: 2018-01-12. Review status: criteria provided, single submitter. Criteria: ICSL Variant Classification Criteria 13 December 2019. Collection method: clinical testing. Allele origin: germline.

Illumina Laboratory Services, Illumina
Classification: Benign for Emery-Dreifuss muscular dystrophy 4, autosomal dominant. Last evaluated: 2018-01-12. Review status: criteria provided, single submitter. Criteria: ICSL Variant Classification Criteria 13 December 2019. Collection method: clinical testing. Allele origin: germline.
Comment: This variant was observed in the ICSL laboratory as part of a predisposition screen in an ostensibly healthy population. It had not been previously curated by ICSL or reported in the Human Gene Mutation Database (HGMD: prior to June 1st, 2018), and was therefore a candidate for classification through an automated scoring system. Utilizing variant allele frequency, disease prevalence and penetrance estimates, and inheritance mode, an automated score was calculated to assess if this variant is too frequent to cause the disease. Based on the score and internal cut-off values, a variant classified as benign is not then subjected to further curation. The score for this variant resulted in a classification of benign for this disease.

NM_182961.4(SYNE1):c.-223-10T>C

Gene: SYNE1 (spectrin repeat containing nuclear envelope protein 1; minus strand). Cytogenetic location: 6q25.2.
Variant type: single nucleotide variant.
Coding change: c.-223-10T>C on transcript NM_182961.4 (MANE Select); 10 bases into the intron before 223 bases upstream of the start codon, T replaced by C.
Molecular consequence: intron variant.
Genome position (GRCh38, 1-based): chr6:152,628,564, A>G on the plus strand (T>C on the coding strand, the complement: SYNE1 is on the minus strand). VCF-style: chr6-152628564-A-G. GRCh37 (hg19) VCF-style: chr6-152949699-A-G.
Other names: c.-223-10T>C (NM_033071.5).
Identifiers: ClinVar variation 355953 (VCV000355953.5), dbSNP rs564226533, ClinGen allele CA10623350.